The following is an entry in ClinVar:

ClinVar aggregate classification (germline): Benign/Likely benign. Review status: criteria provided, multiple submitters, no conflicts (2 of 4 stars). 4 submissions from 4 submitters: Benign (3); Likely benign (1). Last evaluated 2026-02-04.

Conditions:
Pyogenic arthritis-pyoderma gangrenosum-acne syndrome (PAPA). Also called: FAMILIAL RECURRENT ARTHRITIS; PAPA SYNDROME. Identifiers: Orphanet 69126, MedGen C1858361, MONDO:0011462, OMIM 604416.

Allele frequency attached by ClinVar (database versions not stated): gnomAD exomes 0.00087 and 0.00243; ExAC 0.00313; gnomAD 0.00968 and 0.01035; ESP Exome Variant Server 0.01043; TOPMed 0.01048; 1000 Genomes Project 30x 0.01187; 1000 Genomes Project 0.01218.
gnomAD v4.1: 2,752 of 1,583,610 alleles (0.17%); highest among the groups gnomAD compares: African/African-American, 3.3%; 47 homozygotes.

Submissions (4):

Labcorp Genetics (formerly Invitae), Labcorp
Classification: Benign for Pyogenic arthritis-pyoderma gangrenosum-acne syndrome. Last evaluated: 2026-02-04. Review status: criteria provided, single submitter. Criteria: Invitae Variant Classification Sherloc (09022015). Collection method: clinical testing. Allele origin: germline.

ARUP Laboratories, Molecular Genetics and Genomics, ARUP Laboratories
Classification: Benign. Last evaluated: 2025-05-05. Review status: criteria provided, single submitter. Criteria: ARUP Molecular Germline Variant Investigation Process 2024. Collection method: clinical testing. Allele origin: germline.

Fulgent Genetics
Classification: Likely benign for Pyogenic arthritis-pyoderma gangrenosum-acne syndrome. Last evaluated: 2021-10-08. Review status: criteria provided, single submitter. Criteria: ACMG Guidelines, 2015. Collection method: clinical testing. Allele origin: unknown.

GeneDx
Classification: Benign. Last evaluated: 2012-11-29. Review status: criteria provided, single submitter. Criteria: GeneDx Variant Classification (06012015). Collection method: clinical testing. Allele origin: germline. Affected: yes.
Comment: This variant is considered likely benign or benign based on one or more of the following criteria: it is a conservative change, it occurs at a poorly conserved position in the protein, it is predicted to be benign by multiple in silico algorithms, and/or has population frequency not consistent with disease.

NM_003978.5(PSTPIP1):c.642+16G>A

Gene: PSTPIP1 (proline-serine-threonine phosphatase interacting protein 1; plus strand). Cytogenetic location: 15q24.3.
Variant type: single nucleotide variant.
Coding change: c.642+16G>A on transcript NM_003978.5 (MANE Select); 16 bases into the intron after coding-DNA position 642, G replaced by A.
Molecular consequence: intron variant.
Genome position (GRCh38, 1-based): chr15:77,030,597, G>A. VCF-style: chr15-77030597-G-A. GRCh37 (hg19) VCF-style: chr15-77322938-G-A.
Other names: c.642+16G>A (LRG_172t1, NM_001321135.2); c.837+16G>A (NM_001321137.1); c.615+16G>A (NM_001321136.2).
Identifiers: ClinVar variation 138824 (VCV000138824.12), dbSNP rs78282498, ClinGen allele CA292934.